The following is an entry in ClinVar:

NM_020778.5(ALPK3):c.2642C>T (p.Ala881Val)

Gene: ALPK3 (alpha kinase 3; plus strand). Cytogenetic location: 15q25.3.
Variant type: single nucleotide variant.
Coding change: c.2642C>T on transcript NM_020778.5 (MANE Select); coding-DNA position 2642, C replaced by T.
Protein change: p.Ala881Val; replaces alanine 881 with valine.
Molecular consequence: missense variant.
Genome position (GRCh38, 1-based): chr15:84,857,380, C>T. VCF-style: chr15-84857380-C-T. GRCh37 (hg19) VCF-style: chr15-85400611-C-T.
Other names: short protein forms A881V.
Identifiers: ClinVar variation 1506817 (VCV001506817.12), dbSNP rs375943296, ClinGen allele CA7709459.

ClinVar aggregate classification (germline): Conflicting classifications of pathogenicity. Review status: criteria provided, conflicting classifications (1 of 4 stars). 5 submissions from 5 submitters: Uncertain significance (2); Likely benign (3). Last evaluated 2026-01-25.

Conditions:
Cardiovascular phenotype. Identifiers: MedGen CN230736.

Allele frequency attached by ClinVar (database versions not stated): gnomAD exomes 0.00002 and 0.00004; gnomAD 0.00003 and 0.00004; TOPMed 0.00003; ExAC 0.00004; ESP Exome Variant Server 0.00008; 1000 Genomes Project 30x 0.00016; 1000 Genomes Project 0.00020.
gnomAD v4.1: 35 of 1,614,082 alleles (0.0022%); highest among the groups gnomAD compares: Admixed American, 0.0083%; no homozygotes.

Submissions (5):

Labcorp Genetics (formerly Invitae), Labcorp
Classification: Uncertain significance. Last evaluated: 2026-01-25. Review status: criteria provided, single submitter. Criteria: Invitae Variant Classification Sherloc (09022015). Collection method: clinical testing. Allele origin: germline.
Comment: This sequence change replaces alanine, which is neutral and non-polar, with valine, which is neutral and non-polar, at codon 1083 of the ALPK3 protein (p.Ala1083Val). This variant is present in population databases (rs375943296, gnomAD 0.009%). This variant has not been reported in the literature in individuals affected with ALPK3-related conditions. ClinVar contains an entry for this variant (Variation ID: 1506817). Invitae Evidence Modeling of protein sequence and biophysical properties (such as structural, functional, and spatial information, amino acid conservation, physicochemical variation, residue mobility, and thermodynamic stability) indicates that this missense variant is not expected to disrupt ALPK3 protein function with a negative predictive value of 80%. In summary, the available evidence is currently insufficient to determine the role of this variant in disease. Therefore, it has been classified as a Variant of Uncertain Significance.

Molecular Diagnostic Laboratory for Inherited Cardiovascular Disease, Montreal Heart Institute
Classification: Likely benign. Last evaluated: 2025-04-09. Review status: criteria provided, single submitter. Criteria: ACMG Guidelines, 2015. Collection method: clinical testing. Allele origin: germline. Affected: no.
Comment: PM2, BP1, BP4, BP5

Ambry Genetics
Classification: Likely benign for Cardiovascular phenotype. Last evaluated: 2024-11-19. Review status: criteria provided, single submitter. Criteria: Ambry Variant Classification Scheme 2023. Collection method: clinical testing. Allele origin: germline.

GeneDx
Classification: Uncertain significance. Last evaluated: 2024-09-24. Review status: criteria provided, single submitter. Criteria: GeneDx Variant Classification Process June 2021. Collection method: clinical testing. Allele origin: germline. Affected: yes.
Comment: Has not been previously published as pathogenic or benign in association with a ALPK3-related disorder to our knowledge; In silico analysis indicates that this missense variant does not alter protein structure/function; This variant is associated with the following publications: (PMID: 33057194, 35982159)

Blueprint Genetics
Classification: Likely benign. Last evaluated: 2024-09-05. Review status: criteria provided, single submitter. Criteria: ACMG Guidelines, 2015. Collection method: clinical testing. Allele origin: germline.